The following is an entry in ClinVar:

ClinVar aggregate classification (germline): Uncertain significance (1 of 4 stars; one submission).

Submission:

CeGaT Center for Human Genetics Tuebingen
Classification: Uncertain significance. Last evaluated: 2022-07-01. Review status: criteria provided, single submitter. Criteria: CeGaT Center For Human Genetics Tuebingen Variant Classification Criteria Version 2. Collection method: clinical testing. Allele origin: germline. Affected: yes. Observed: 1 variant allele.
Comment: NEUROD2: PM2, BP4

NM_006160.4(NEUROD2):c.12C>G (p.Arg4=)

Gene: NEUROD2 (neuronal differentiation 2; minus strand). Cytogenetic location: 17q12.
Variant type: single nucleotide variant.
Coding change: c.12C>G on transcript NM_006160.4 (MANE Select); coding-DNA position 12, C replaced by G.
Protein change: p.Arg4=; no amino-acid change (arginine 4 retained).
Molecular consequence: synonymous variant.
Genome position (GRCh38, 1-based): chr17:39,606,588, G>C on the plus strand (C>G on the coding strand, the complement: NEUROD2 is on the minus strand). VCF-style: chr17-39606588-G-C. GRCh37 (hg19) VCF-style: chr17-37762841-G-C.
Identifiers: ClinVar variation 2647717 (VCV002647717.24), dbSNP rs114810359, ClinGen allele CA499888906.